The following is an entry in ClinVar:

NM_023110.3(FGFR1):c.*1055C>T

Genes: FGFR1 (fibroblast growth factor receptor 1; minus strand), LOC102723716 (uncharacterized LOC102723716; minus strand). Cytogenetic location: 8p11.23.
Variant type: single nucleotide variant.
Coding change: c.*1055C>T on transcript NM_023110.3 (MANE Select); 1055 bases downstream of the stop codon, C replaced by T.
Molecular consequence: 3 prime UTR variant. On other transcripts: missense variant (3).
Genome position (GRCh38, 1-based): chr8:38,412,573, G>A on the plus strand (C>T on the coding strand, the complement: FGFR1 is on the minus strand). VCF-style: chr8-38412573-G-A. GRCh37 (hg19) VCF-style: chr8-38270091-G-A.
Other names: c.*1055C>T (NM_001174063.2, NM_001174064.2, NM_001174065.2 and 6 more transcripts); c.2309C>T, p.Thr770Met (NM_001354367.2); c.2303C>T, p.Thr768Met (NM_001354369.2); c.2042C>T, p.Thr681Met (NM_001354370.2); short protein forms T770M, T681M, T768M.
Identifiers: ClinVar variation 911717 (VCV000911717.6), dbSNP rs761124911, ClinGen allele CA175136513.

ClinVar aggregate classification (germline): Conflicting classifications of pathogenicity. Review status: criteria provided, conflicting classifications (1 of 4 stars). 5 submissions from 2 submitters: Uncertain significance (4); Likely benign (1). Last evaluated 2026-04-01.

Conditions:
Hypogonadotropic hypogonadism 2 with or without anosmia (HH2). Also called: FGFR1-Related GnRH Deficiency (Kallmann Syndrome 2); HYPOGONADOTROPIC HYPOGONADISM 2 WITHOUT ANOSMIA; HYPOGONADOTROPIC HYPOGONADISM 2 WITH OR WITHOUT ANOSMIA, SUSCEPTIBILITY TO; HYPOGONADOTROPIC HYPOGONADISM 2 WITHOUT ANOSMIA, SUSCEPTIBILITY TO. Identifiers: Orphanet 478, MedGen C1563720, MONDO:0007844, OMIM 147950. Disease mechanism: loss of function.
Osteoglophonic dysplasia (OGD). Also called: Osteoglophonic dwarfism. Identifiers: Orphanet 2645, MedGen C0432283, MONDO:0008150, OMIM 166250.
Craniosynostosis syndrome. Also called: Craniosynostosis. Identifiers: Orphanet 1531, MedGen C0010278, MeSH D003398, MONDO:0015469, HP:0001363.
Trigonocephaly 1 (TRIGNO1). Identifiers: Orphanet 3366, MedGen C0432122, MONDO:0008603, OMIM 190440.

Allele frequency attached by ClinVar (database versions not stated): gnomAD 0.00033 and 0.00035; TOPMed 0.00034; gnomAD exomes 0.00062.
gnomAD v4.1: 105 of 233,406 alleles (0.045%); highest among the groups gnomAD compares: African/African-American, 0.033%; no homozygotes.

Submissions (5):

CeGaT Center for Human Genetics Tuebingen
Classification: Likely benign. Last evaluated: 2026-04-01. Review status: criteria provided, single submitter. Criteria: CeGaT Center For Human Genetics Tuebingen Variant Classification Criteria Version 2. Collection method: clinical testing. Allele origin: germline. Affected: yes. Observed: 1 variant allele.
Comment: FGFR1: PP2, BS1

Illumina Laboratory Services, Illumina
Classification: Uncertain significance for Osteoglophonic dysplasia. Last evaluated: 2018-01-12. Review status: criteria provided, single submitter. Criteria: ICSL Variant Classification Criteria 13 December 2019. Collection method: clinical testing. Allele origin: germline.

Illumina Laboratory Services, Illumina
Classification: Uncertain significance for Craniosynostosis. Last evaluated: 2018-01-12. Review status: criteria provided, single submitter. Criteria: ICSL Variant Classification Criteria 13 December 2019. Collection method: clinical testing. Allele origin: germline.

Illumina Laboratory Services, Illumina
Classification: Uncertain significance for Hypogonadotropic hypogonadism 2 with or without anosmia. Last evaluated: 2018-01-12. Review status: criteria provided, single submitter. Criteria: ICSL Variant Classification Criteria 13 December 2019. Collection method: clinical testing. Allele origin: germline.

Illumina Laboratory Services, Illumina
Classification: Uncertain significance for Trigonocephaly 1. Last evaluated: 2018-01-12. Review status: criteria provided, single submitter. Criteria: ICSL Variant Classification Criteria 13 December 2019. Collection method: clinical testing. Allele origin: germline.